The following is an entry in ClinVar:

ClinVar aggregate classification (germline): Uncertain significance. Review status: criteria provided, multiple submitters, no conflicts (2 of 4 stars). 2 submissions from 2 submitters: Uncertain significance (2). Last evaluated 2024-09-23.

Conditions:
Peutz-Jeghers syndrome (PJS). Also called: Peutz-Jeghers polyposis; Periorificial lentiginosis syndrome; POLYPOSIS, HAMARTOMATOUS INTESTINAL; POLYPS-AND-SPOTS SYNDROME. Identifiers: Orphanet 2869, MedGen C0031269, MeSH D010580, MONDO:0008280, OMIM 175200.
Hereditary cancer-predisposing syndrome. Also called: Neoplastic Syndromes, Hereditary; Hereditary neoplastic syndrome; Hereditary Cancer Syndrome; Tumor predisposition. Identifiers: Orphanet 140162, MedGen C0027672, MeSH D009386, MONDO:0015356.

Submissions (2):

Labcorp Genetics (formerly Invitae), Labcorp
Classification: Uncertain significance for Peutz-Jeghers syndrome. Last evaluated: 2024-09-23. Review status: criteria provided, single submitter. Criteria: Invitae Variant Classification Sherloc (09022015). Collection method: clinical testing. Allele origin: germline.
Comment: This variant, c.1040_1045del, results in the deletion of 2 amino acid(s) of the STK11 protein (p.Ala347_Asp348del), but otherwise preserves the integrity of the reading frame. This variant is not present in population databases (gnomAD no frequency). This variant has not been reported in the literature in individuals affected with STK11-related conditions. ClinVar contains an entry for this variant (Variation ID: 944573). Experimental studies and prediction algorithms are not available or were not evaluated, and the functional significance of this variant is currently unknown. In summary, the available evidence is currently insufficient to determine the role of this variant in disease. Therefore, it has been classified as a Variant of Uncertain Significance.

Ambry Genetics
Classification: Uncertain significance for Hereditary cancer-predisposing syndrome. Last evaluated: 2022-02-10. Review status: criteria provided, single submitter. Criteria: Ambry Variant Classification Scheme 2023. Collection method: clinical testing. Allele origin: germline.
Comment: The c.1040_1045delCGGACG variant (also known as p.A347_D348del) is located in coding exon 8 of the STK11 gene. This variant results from an in-frame CGGACG deletion at nucleotide positions 1040 to 1045. This results in the in-frame deletion of an alanine and an aspartic acid at codon positions 347 and 348, respectively. The deleted amino acid positions are poorly conserved in available vertebrate species. In addition, this alteration is predicted to be neutral by in silico analysis (Choi Y et al. PLoS ONE. 2012; 7(10):e46688). Since supporting evidence is limited at this time, the clinical significance of this alteration remains unclear.

NM_000455.5(STK11):c.1040_1045del (p.Ala347_Asp348del)

Genes: STK11 (serine/threonine kinase 11; plus strand), LOC130062899 (ATAC-STARR-seq lymphoblastoid active region 13597; plus strand). Cytogenetic location: 19p13.3.
Variant type: Deletion.
Coding change: c.1040_1045del on transcript NM_000455.5 (MANE Select); coding-DNA positions 1040 to 1045, 6 bases deleted (CGGACG; older notation c.1040_1045delCGGACG).
Protein change: p.Ala347_Asp348del.
Molecular consequence: inframe deletion.
Genome position (GRCh38, 1-based): chr19:1,223,104-1,223,109, CGGACG deleted; deleting any 6 consecutive bases within chr19:1,223,102-1,223,109 gives the same sequence; the c. name uses the placement nearest the transcript's 3' end. VCF-style (leftmost placement, unchanged base first): chr19-1223101-GCGCGGA-G. GRCh37 (hg19) VCF-style: chr19-1223100-GCGCGGA-G.
Other names: c.1040_1045delCGGACG (NM_000455.4).
Identifiers: ClinVar variation 944573 (VCV000944573.12), dbSNP rs2080797182, ClinGen allele CA1139666162.
Genomic context (GRCh38, chr19:1,223,101, plus strand): 5'-CAGACACCAAGGACCGGTGGCGCAGCATGACTGTGGTGCCGTACTTGGAGGACCTGCACG[GCGCGGA>G]CGAGGACGAGGACCTCTTCGACATCGAGGATGACATCATCTACACTCAGGACTTCACGGT-3'